The following is an entry in ClinVar:

NM_001378454.1(ALMS1):c.9527T>G (p.Val3176Gly)

Gene: ALMS1 (ALMS1 centrosome and basal body associated protein; plus strand). Cytogenetic location: 2p13.1.
Variant type: single nucleotide variant.
Coding change: c.9527T>G on transcript NM_001378454.1 (MANE Select); coding-DNA position 9527, T replaced by G.
Protein change: p.Val3176Gly; replaces valine 3176 with glycine.
Molecular consequence: missense variant.
Genome position (GRCh38, 1-based): chr2:73,491,486, T>G. VCF-style: chr2-73491486-T-G. GRCh37 (hg19) VCF-style: chr2-73718613-T-G.
Other names: c.9530T>G, p.Val3177Gly (NM_015120.4); short protein forms V3176G, V3177G.
Identifiers: ClinVar variation 1767294 (VCV001767294.2), dbSNP rs774498337, ClinGen allele CA1714677.

ClinVar aggregate classification (germline): Uncertain significance (1 of 4 stars; one submission).

Conditions:
Cardiovascular phenotype. Identifiers: MedGen CN230736.

Allele frequency attached by ClinVar (database versions not stated): ExAC 0.00001.
gnomAD v4.1: 3 of 1,613,964 alleles (0.00019%); highest among the groups gnomAD compares: Admixed American, 0.005%; no homozygotes.

Submission:

Ambry Genetics
Classification: Uncertain significance for Cardiovascular phenotype. Last evaluated: 2021-08-23. Review status: criteria provided, single submitter. Criteria: Ambry Variant Classification Scheme 2023. Collection method: clinical testing. Allele origin: germline.
Comment: The p.V3177G variant (also known as c.9530T>G), located in coding exon 10 of the ALMS1 gene, results from a T to G substitution at nucleotide position 9530. The valine at codon 3177 is replaced by glycine, an amino acid with dissimilar properties. This amino acid position is not well conserved in available vertebrate species. In addition, this alteration is predicted to be tolerated by in silico analysis. Since supporting evidence is limited at this time, the clinical significance of this alteration remains unclear.